The following is an entry in ClinVar:

ClinVar aggregate classification (germline): Pathogenic (1 of 4 stars; one submission).

Conditions:
Thrombotic thrombocytopenic purpura. Also called: Moschowitz syndrome; Moschkowitz Disease. Identifiers: Orphanet 54057, MedGen C0034155, MONDO:0018896.

Submission:

Women's Health and Genetics/Laboratory Corporation of America, LabCorp
Classification: Pathogenic for Thrombotic thrombocytopenic purpura. Last evaluated: 2023-12-20. Review status: criteria provided, single submitter. Criteria: LabCorp Variant Classification Summary - May 2015. Collection method: clinical testing. Allele origin: germline.
Comment: Variant summary: ADAMTS13 c.155delC (p.Pro52LeufsX5) results in a premature termination codon, predicted to cause absence of the protein due to nonsense mediated decay, which is a commonly known mechanism for disease. The variant was absent in 251454 control chromosomes (gnomAD). To our knowledge, no occurrence of c.155delC in individuals affected with Thrombotic Thrombocytopenic Purpura and no experimental evidence demonstrating its impact on protein function have been reported. No submitters have cited clinical-significance assessments for this variant to ClinVar after 2014. Based on the evidence outlined above, the variant was classified as pathogenic.

NM_139027.6(ADAMTS13):c.155del (p.Pro52fs)

Gene: ADAMTS13 (ADAM metallopeptidase with thrombospondin type 1 motif 13; plus strand). Cytogenetic location: 9q34.2.
Variant type: Deletion.
Coding change: c.155del on transcript NM_139027.6 (MANE Select); coding-DNA position 155, one base deleted (C; older notation c.155delC).
Protein change: p.Pro52fs; shifts the reading frame from proline 52.
Molecular consequence: frameshift variant. On other transcripts: non-coding transcript variant (1).
Genome position (GRCh38, 1-based): chr9:133,423,150, C deleted; the last of 3 consecutive C bases (chr9:133,423,148-133,423,150); deleting any one gives the same sequence. VCF-style (leftmost placement, unchanged base first): chr9-133423147-GC-G. GRCh37 (hg19) VCF-style: chr9-136288267-GC-G.
Other names: c.155delC (NM_139025.5); c.155del, p.Pro52fs (NM_139025.5, NM_139026.6); short protein forms P52fs.
Identifiers: ClinVar variation 2691362 (VCV002691362.1), dbSNP rs2491047604, ClinGen allele CA2697558173.